The following is an entry in ClinVar:

ClinVar aggregate classification (germline): Uncertain significance. Review status: criteria provided, multiple submitters, no conflicts (2 of 4 stars). 3 submissions from 3 submitters: Uncertain significance (3). Last evaluated 2024-05-23.

Conditions:
Autosomal dominant nonsyndromic hearing loss 15 (DFNA15). Also called: Autosomal dominant nonsyndromic hearing loss 52; DEAFNESS, AUTOSOMAL DOMINANT 52. Identifiers: Orphanet 90635, MedGen C1865366, MONDO:0011226, OMIM 602459.

Allele frequency attached by ClinVar (database versions not stated): gnomAD below 0.00001 and 0.00001; gnomAD exomes 0.00001; ExAC 0.00002; TOPMed 0.00002.

Submissions (3):

Labcorp Genetics (formerly Invitae), Labcorp
Classification: Uncertain significance. Last evaluated: 2024-05-23. Review status: criteria provided, single submitter. Criteria: Invitae Variant Classification Sherloc (09022015). Collection method: clinical testing. Allele origin: germline.
Comment: This sequence change replaces histidine, which is basic and polar, with tyrosine, which is neutral and polar, at codon 109 of the POU4F3 protein (p.His109Tyr). This variant is present in population databases (rs754773365, gnomAD 0.02%). This missense change has been observed in individual(s) with deafness (PMID: 32684921). It has also been observed to segregate with disease in related individuals. ClinVar contains an entry for this variant (Variation ID: 973498). Advanced modeling of protein sequence and biophysical properties (such as structural, functional, and spatial information, amino acid conservation, physicochemical variation, residue mobility, and thermodynamic stability) has been performed at Invitae for this missense variant, however the output from this modeling did not meet the statistical confidence thresholds required to predict the impact of this variant on POU4F3 protein function. In summary, the available evidence is currently insufficient to determine the role of this variant in disease. Therefore, it has been classified as a Variant of Uncertain Significance.

3billion
Classification: Uncertain significance for Autosomal dominant nonsyndromic hearing loss 15. Last evaluated: 2022-03-22. Review status: criteria provided, single submitter. Criteria: ACMG Guidelines, 2015. Collection method: clinical testing. Allele origin: germline. Affected: yes. Observed: 1 heterozygote.
Comment: Same or different nucleotide change resulting in same amino acid change has been previously reported to be associated with POU4F3 related disorder (PMID:32684921). The variant was co-segregated with Deafness, autosomal dominant 15 in multiple affected family members (PMID: 32684921). A missense variant is a common mechanism . The variant is observed at an extremely low frequency in the gnomAD v2.1.1 dataset (total allele frequency: 0.0000120). Therefore, this variant is classified as uncertain significance according to the recommendation of ACMG/AMP guideline.

Molecular Diagnosis Center for Deafness
Classification: Uncertain significance for Autosomal dominant nonsyndromic hearing loss 15. Last evaluated: 2020-03-08. Review status: criteria provided, single submitter. Criteria: ClinGen HL ACMG Specifications v1. Collection method: case-control. Allele origin: maternal. Inheritance: Autosomal dominant inheritance. Affected: yes. Observed: 4 variant alleles. Clinical features observed: mild to moderate high-frequency sensorineural hearing impairment.

Literature cited by the submitters: PubMed 32684921 (cited by Labcorp Genetics (formerly Invitae), Labcorp and 3billion); PubMed 29850532 (cited by Molecular Diagnosis Center for Deafness).

NM_002700.3(POU4F3):c.325C>T (p.His109Tyr)

Genes: POU4F3 (POU class 4 homeobox 3; plus strand), RBM27-POU4F3 (RBM27-POU4F3 readthrough; plus strand). Cytogenetic location: 5q32.
Variant type: single nucleotide variant.
Coding change: c.325C>T on transcript NM_002700.3 (MANE Select); coding-DNA position 325, C replaced by T.
Protein change: p.His109Tyr; replaces histidine 109 with tyrosine.
Molecular consequence: missense variant.
Genome position (GRCh38, 1-based): chr5:146,339,752, C>T. VCF-style: chr5-146339752-C-T. GRCh37 (hg19) VCF-style: chr5-145719315-C-T.
Other names: (p.His109Tyr); short protein forms H109Y.
Identifiers: ClinVar variation 973498 (VCV000973498.4), dbSNP rs754773365, ClinGen allele CA3491104.
Genomic context (GRCh38, chr5:146,339,752, plus strand): 5'-ACGTCCACTTCGTCCACCGTGCCCATCTCCCACCCAGCTGCGCTCACCTCACACCCTCAC[C>T]ACGCCGTGCACCAGGGCCTCGAAGGCGACCTGCTGGAGCACATCTCGCCCACGCTGAGTG-3'
Protein context (NP_002691.1, residues 99-119): HPAALTSHPH[His109Tyr]AVHQGLEGDL